The following is an entry in ClinVar:

ClinVar aggregate classification (germline): Pathogenic/Likely pathogenic. Review status: criteria provided, multiple submitters, no conflicts (2 of 4 stars). 6 submissions from 6 submitters: Pathogenic (2); Likely pathogenic (4). Last evaluated 2025-12-21.

Conditions:
Sandhoff disease. Also called: GM2-GANGLIOSIDOSIS, TYPE II; HEXOSAMINIDASES A AND B DEFICIENCY; Beta-hexosaminidase-beta-subunit deficiency; GM2 gangliosidosis, type 2; Total hexosaminidase deficiency; Sandhoff-Jatzkewitz-Pilz disease. Identifiers: Orphanet 796, MedGen C0036161, MONDO:0010006, OMIM 268800.
HEXB-related disorders.

Allele frequency attached by ClinVar (database versions not stated): gnomAD 0.00002; gnomAD exomes 0.00002; TOPMed 0.00003.
gnomAD v4.1: 39 of 1,613,720 alleles (0.0024%); highest among the groups gnomAD compares: East Asian, 0.016%; no homozygotes.

Submissions (6):

Labcorp Genetics (formerly Invitae), Labcorp
Classification: Pathogenic for Sandhoff disease. Last evaluated: 2025-12-21. Review status: criteria provided, single submitter. Criteria: Invitae Variant Classification Sherloc (09022015). Collection method: clinical testing. Allele origin: germline.
Comment: This sequence change replaces arginine, which is basic and polar, with tryptophan, which is neutral and slightly polar, at codon 505 of the HEXB protein (p.Arg505Trp). This variant is present in population databases (rs751592419, gnomAD 0.02%). This missense change has been observed in individual(s) with Sandhoff disease (internal data). In at least one individual the data is consistent with being in trans (on the opposite chromosome) from a pathogenic variant. ClinVar contains an entry for this variant (Variation ID: 975004). Invitae Evidence Modeling of protein sequence and biophysical properties (such as structural, functional, and spatial information, amino acid conservation, physicochemical variation, residue mobility, and thermodynamic stability) indicates that this missense variant is expected to disrupt HEXB protein function with a positive predictive value of 95%. This variant disrupts the p.Arg505 amino acid residue in HEXB. Other variant(s) that disrupt this residue have been determined to be pathogenic (PMID: 8950198, 9562328, 12027830, 23759947). This suggests that this residue is clinically significant, and that variants that disrupt this residue are likely to be disease-causing. For these reasons, this variant has been classified as Pathogenic.

Natera, Inc.
Classification: Likely pathogenic for Sandhoff disease. Last evaluated: 2025-10-29. Review status: criteria provided, single submitter. Criteria: Natera Variant Classification Schema (03/2026). Collection method: clinical testing. Allele origin: germline.
Comment: The c.1513C>T variant in HEXB is a missense variant predicted to cause substitution of arginine to tryptophan at amino acid 505. This variant is rare in the general population with a frequency below the threshold expected for the associated phenotype(s). This variant has been observed in one or more individuals affected with the associated recessive disease, as either homozygous or compound heterozygous with a second variant (PMID: 31995250, 35711818). A different variant at the same position has been determined to be Pathogenic or Likely Pathogenic. Computational prediction algorithms indicate this variant is likely to affect gene or protein function. Given the available evidence, this variant is classified as Likely Pathogenic.

GeneDx
Classification: Likely pathogenic. Last evaluated: 2025-06-27. Review status: criteria provided, single submitter. Criteria: GeneDx Variant Classification Process June 2021. Collection method: clinical testing. Allele origin: germline.
Comment: Identified in an individual with adult-onset progressive motor neuron disease and cerebellar ataxia; additional variants were identified in HEXB, although the phase of these variants was not reported (PMID: 31995250); In silico analysis supports that this missense variant has a deleterious effect on protein structure/function; This variant is associated with the following publications: (PMID: 35711818, 38444573, 36709536, 40396249, 36628841, 31995250)

Women's Health and Genetics/Laboratory Corporation of America, LabCorp
Classification: Likely pathogenic for Sandhoff disease. Last evaluated: 2025-06-05. Review status: criteria provided, single submitter. Criteria: LabCorp Variant Classification Summary - May 2015. Collection method: clinical testing. Allele origin: germline.
Comment: Variant summary: HEXB c.1513C>T (p.Arg505Trp) results in a non-conservative amino acid change located in the Glycoside hydrolase family 20, catalytic domain of the encoded protein sequence. Algorithms developed to predict the effect of missense changes on protein structure and function all suggest that this variant is likely to be disruptive. The variant allele was found at a frequency of 8e-06 in 251190 control chromosomes. c.1513C>T has been observed in individual(s) affected with Sandhoff Disease (Chin_2013, Masingue_2020, Beecher_2022, Granger_2023). These data indicate that the variant may be associated with disease. A different variant affecting the same codon has been classified as pathogenic by our lab (c.1514G>A, p.Arg505Gln), supporting the critical relevance of codon 505 to HEXB protein function. To our knowledge, no experimental evidence demonstrating an impact on protein function has been reported. The following publications have been ascertained in the context of this evaluation (PMID: 35711818, 23418865, 36628841, 31995250). ClinVar contains an entry for this variant (Variation ID: 975004). Based on the evidence outlined above, the variant was classified as likely pathogenic.

Blueprint Genetics
Classification: Pathogenic for HEXB-related disorders. Last evaluated: 2024-05-21. Review status: criteria provided, single submitter. Criteria: ACMG Guidelines, 2015. Collection method: clinical testing. Allele origin: germline. Affected: yes. Observed: 5 variant alleles.

Juno Genomics, Hangzhou Juno Genomics, Inc
Classification: Likely pathogenic for Sandhoff disease. Review status: criteria provided, single submitter. Criteria: ACMG Guidelines, 2015. Collection method: clinical testing. Allele origin: germline.
Comment: Absent from controls (or at extremely low frequency if recessive) in Genome Aggregation Database.;Multiple lines of computational evidence support a deleterious effect on the gene or gene product.;For recessive disorders, detected in trans with a pathogenic variant.;Patient's phenotype or family history is highly specific for a disease with a single genetic etiology.

Literature cited by the submitters: PubMed 8950198 (cited by Labcorp Genetics (formerly Invitae), Labcorp); PubMed 9562328 (cited by Labcorp Genetics (formerly Invitae), Labcorp); PubMed 12027830 (cited by Labcorp Genetics (formerly Invitae), Labcorp); PubMed 23759947 (cited by Labcorp Genetics (formerly Invitae), Labcorp); PubMed 31995250 (cited by Natera, Inc. and Women's Health and Genetics/Laboratory Corporation of America, LabCorp); PubMed 35711818 (cited by Natera, Inc. and Women's Health and Genetics/Laboratory Corporation of America, LabCorp); PubMed 23418865 (cited by Women's Health and Genetics/Laboratory Corporation of America, LabCorp); PubMed 36628841 (cited by Women's Health and Genetics/Laboratory Corporation of America, LabCorp).

NM_000521.4(HEXB):c.1513C>T (p.Arg505Trp)

Gene: HEXB (hexosaminidase subunit beta; plus strand). Cytogenetic location: 5q13.3.
Variant type: single nucleotide variant.
Coding change: c.1513C>T on transcript NM_000521.4 (MANE Select); coding-DNA position 1513, C replaced by T.
Protein change: p.Arg505Trp; replaces arginine 505 with tryptophan.
Molecular consequence: missense variant.
Genome position (GRCh38, 1-based): chr5:74,720,647, C>T. VCF-style: chr5-74720647-C-T. GRCh37 (hg19) VCF-style: chr5-74016472-C-T.
Other names: c.838C>T, p.Arg280Trp (NM_001292004.2); short protein forms R280W, R505W.
Identifiers: ClinVar variation 975004 (VCV000975004.15), dbSNP rs751592419, ClinGen allele CA3306193.
Genomic context (GRCh38, chr5:74,720,647, plus strand): 5'-AAGTGCTAAACATAAATTTAAACTGCTTGCGGGGGGATGTGTGATTTAAATTTTAGGCCT[C>T]GGGCAAGTGCTGTTGGTGAGAGACTCTGGAGTTCCAAAGATGTCAGAGATATGGATGACG-3'
Protein context (NP_000512.2, residues 495-515): ATNLTPRLWP[Arg505Trp]ASAVGERLWS